The following is an entry in ClinVar:

ClinVar aggregate classification (germline): Uncertain significance (1 of 4 stars; one submission).

Submission:

Ambry Genetics
Classification: Uncertain significance. Last evaluated: 2024-01-14. Review status: criteria provided, single submitter. Criteria: Ambry Variant Classification Scheme 2023. Collection method: clinical testing. Allele origin: germline.
Comment: The p.V1306I variant (also known as c.3916G>A), located in coding exon 17 of the NPAT gene, results from a G to A substitution at nucleotide position 3916. The valine at codon 1306 is replaced by isoleucine, an amino acid with highly similar properties. This amino acid position is conserved. In addition, this alteration is predicted to be tolerated by in silico analysis. Since supporting evidence is limited at this time, the clinical significance of this alteration remains unclear.

NM_002519.3(NPAT):c.3916G>A (p.Val1306Ile)

Gene: NPAT (nuclear protein, coactivator of histone transcription; minus strand). Cytogenetic location: 11q22.3.
Variant type: single nucleotide variant.
Coding change: c.3916G>A on transcript NM_002519.3 (MANE Select); coding-DNA position 3916, G replaced by A.
Protein change: p.Val1306Ile; replaces valine 1306 with isoleucine.
Molecular consequence: missense variant.
Genome position (GRCh38, 1-based): chr11:108,161,170, C>T on the plus strand (G>A on the coding strand, the complement: NPAT is on the minus strand). VCF-style: chr11-108161170-C-T. GRCh37 (hg19) VCF-style: chr11-108031897-C-T.
Other names: c.3937G>A, p.Val1313Ile (NM_001321307.1); short protein forms V1306I, V1313I.
Identifiers: ClinVar variation 3222608 (VCV003222608.1), dbSNP rs2496694096, ClinGen allele CA382509764.
Genomic context (GRCh38, chr11:108,161,170, plus strand): 5'-TTTCACTTCCTGTTTCACTGGCAGGGCTGCAGGCAGGCAAGTCTGGGGTGACAGGAGGGA[C>T]CATTACTTTTGATGTACTACTGTCTTCACTGAAACGCCTACTAGAGGGGGCCTTGATAAT-3'
Protein context (NP_002510.2, residues 1296-1316): SEDSSTSKVM[Val1306Ile]PPVTPDLPAC